The following is an entry in ClinVar:

NM_001036.6(RYR3):c.13438C>G (p.Leu4480Val)

Gene: RYR3 (ryanodine receptor 3; plus strand). Cytogenetic location: 15q14.
Variant type: single nucleotide variant.
Coding change: c.13438C>G on transcript NM_001036.6 (MANE Select); coding-DNA position 13438, C replaced by G.
Protein change: p.Leu4480Val; replaces leucine 4480 with valine.
Molecular consequence: missense variant.
Genome position (GRCh38, 1-based): chr15:33,845,003, C>G. VCF-style: chr15-33845003-C-G. GRCh37 (hg19) VCF-style: chr15-34137204-C-G.
Other names: c.13423C>G, p.Leu4475Val (NM_001243996.4); short protein forms L4475V, L4480V.
Identifiers: ClinVar variation 659667 (VCV000659667.10), dbSNP rs1475380781, ClinGen allele CA391598751.

ClinVar aggregate classification (germline): Uncertain significance (1 of 4 stars; one submission).

Conditions:
Epileptic encephalopathy. Identifiers: MedGen C0543888, HP:0200134.

Allele frequency attached by ClinVar (database versions not stated): gnomAD exomes below 0.00001; gnomAD 0.00005; TOPMed 0.00005.
gnomAD v4.1: 8 of 1,613,896 alleles (0.0005%); highest among the groups gnomAD compares: Admixed American, 0.013%; no homozygotes.

Submission:

Labcorp Genetics (formerly Invitae), Labcorp
Classification: Uncertain significance for Epileptic encephalopathy. Last evaluated: 2019-02-05. Review status: criteria provided, single submitter. Criteria: Invitae Variant Classification Sherloc (09022015). Collection method: clinical testing. Allele origin: germline.
Comment: In summary, the available evidence is currently insufficient to determine the role of this variant in disease. Therefore, it has been classified as a Variant of Uncertain Significance. Algorithms developed to predict the effect of missense changes on protein structure and function are either unavailable or do not agree on the potential impact of this missense change (SIFT: "Deleterious"; PolyPhen-2: "Probably Damaging"; Align-GVGD: "Class C0"). This variant has not been reported in the literature in individuals with RYR3-related disease. This variant is not present in population databases (ExAC no frequency). This sequence change replaces leucine with valine at codon 4480 of the RYR3 protein (p.Leu4480Val). The leucine residue is highly conserved and there is a small physicochemical difference between leucine and valine.